The following is an entry in ClinVar:

ClinVar aggregate classification (germline): Likely benign. Review status: criteria provided, multiple submitters, no conflicts (2 of 4 stars). 3 submissions from 3 submitters: Likely benign (3). Last evaluated 2025-12-19.

Conditions:
Ullrich congenital muscular dystrophy 2 (UCMD2). Identifiers: Orphanet 75840, MedGen C4225314, MONDO:0014654, OMIM 616470.
Bethlem myopathy 2 (BTHLM2). Identifiers: Orphanet 536516, Orphanet 610, MedGen C4225313, MONDO:0034022, OMIM 616471.
COL12A1-related disorder. Also called: COL12A1-related condition.

Allele frequency attached by ClinVar (database versions not stated): gnomAD 0.00002; TOPMed 0.00002; gnomAD exomes 0.00003.
gnomAD v4.1: 55 of 1,613,788 alleles (0.0034%); highest among the groups gnomAD compares: Admixed American, 0.013%; no homozygotes.

Submissions (3):

PreventionGenetics, part of Exact Sciences
Classification: Likely benign for COL12A1-related condition. Last evaluated: 2025-12-19. Review status: criteria provided, single submitter. Criteria: ACMG Guidelines, 2015. Collection method: clinical testing. Allele origin: germline.
Comment: This variant is classified as likely benign based on ACMG/AMP sequence variant interpretation guidelines (Richards et al. 2015 PMID: 25741868, with internal and published modifications).

Labcorp Genetics (formerly Invitae), Labcorp
Classification: Likely benign for Bethlem myopathy 2; Ullrich congenital muscular dystrophy 2. Last evaluated: 2025-08-06. Review status: criteria provided, single submitter. Criteria: Invitae Variant Classification Sherloc (09022015). Collection method: clinical testing. Allele origin: germline.

Women's Health and Genetics/Laboratory Corporation of America, LabCorp
Classification: Likely benign. Last evaluated: 2025-05-26. Review status: criteria provided, single submitter. Criteria: LabCorp Variant Classification Summary - May 2015. Collection method: clinical testing. Allele origin: germline.

NM_004370.6(COL12A1):c.8592C>G (p.Ser2864=)

Gene: COL12A1 (collagen type XII alpha 1 chain; minus strand). Cytogenetic location: 6q13.
Variant type: single nucleotide variant.
Coding change: c.8592C>G on transcript NM_004370.6 (MANE Select); coding-DNA position 8592, C replaced by G.
Protein change: p.Ser2864=; no amino-acid change (serine 2864 retained).
Molecular consequence: synonymous variant.
Genome position (GRCh38, 1-based): chr6:75,095,165, G>C on the plus strand (C>G on the coding strand, the complement: COL12A1 is on the minus strand). VCF-style: chr6-75095165-G-C. GRCh37 (hg19) VCF-style: chr6-75804881-G-C.
Other names: c.5100C>G, p.Ser1700= (NM_080645.3).
Identifiers: ClinVar variation 706658 (VCV000706658.13), dbSNP rs372700355, ClinGen allele CA3892192.
Genomic context (GRCh38, chr6:75,095,165, plus strand): 5'-TACTGGTCTGCCATGATCTCCAGGTTTTCCTGGCTTCCCACTTGGTCCTGTGACTCCTGG[G>C]GAGCCTGGGCTTCCCTACAACACATGGAAAGGGAAGGGGACTGTTATGACAAAGGGAAAA-3'
Protein context (NP_004361.3, residues 2854-2874): GPPGPPGSPG[Ser2864=]PGVTGPSGKP